The following is an entry in ClinVar:

ClinVar aggregate classification (germline): Pathogenic (1 of 4 stars; one submission).

Conditions:
Hypertrophic cardiomyopathy 14. Identifiers: MedGen C2750467, MONDO:0013197, OMIM 613251.

Submission:

Labcorp Genetics (formerly Invitae), Labcorp
Classification: Pathogenic for Hypertrophic cardiomyopathy 14. Last evaluated: 2023-03-02. Review status: criteria provided, single submitter. Criteria: Invitae Variant Classification Sherloc (09022015). Collection method: clinical testing. Allele origin: germline.
Comment: This variant is not present in population databases (gnomAD no frequency). This sequence change replaces leucine, which is neutral and non-polar, with proline, which is neutral and non-polar, at codon 1345 of the MYH6 protein (p.Leu1345Pro). This missense change has been observed in individual(s) with atrial septal defects (Invitae). In at least one individual the variant was observed to be de novo. It has also been observed to segregate with disease in related individuals. For these reasons, this variant has been classified as Pathogenic. Advanced modeling of protein sequence and biophysical properties (such as structural, functional, and spatial information, amino acid conservation, physicochemical variation, residue mobility, and thermodynamic stability) performed at Invitae indicates that this missense variant is not expected to disrupt MYH6 protein function.

NM_002471.4(MYH6):c.4034T>C (p.Leu1345Pro)

Gene: MYH6 (myosin heavy chain 6; minus strand). Cytogenetic location: 14q11.2.
Variant type: single nucleotide variant.
Coding change: c.4034T>C on transcript NM_002471.4 (MANE Select); coding-DNA position 4034, T replaced by C.
Protein change: p.Leu1345Pro; replaces leucine 1345 with proline.
Molecular consequence: missense variant.
Genome position (GRCh38, 1-based): chr14:23,389,000, A>G on the plus strand (T>C on the coding strand, the complement: MYH6 is on the minus strand). VCF-style: chr14-23389000-A-G. GRCh37 (hg19) VCF-style: chr14-23858209-A-G.
Other names: short protein forms L1345P.
Identifiers: ClinVar variation 2817839 (VCV002817839.3), dbSNP rs2502153575, ClinGen allele CA389002147.